The following is an entry in ClinVar:

ClinVar aggregate classification (germline): Uncertain significance. Review status: criteria provided, multiple submitters, no conflicts (2 of 4 stars). 2 submissions from 2 submitters: Uncertain significance (2). Last evaluated 2026-03-23.

Conditions:
PDE6A-related disorder. Also called: PDE6A-related condition.

gnomAD v4.1: 13 of 1,614,064 alleles (0.00081%); highest among the groups gnomAD compares: South Asian, 0.0022%; no homozygotes.

Submissions (2):

PreventionGenetics, part of Exact Sciences
Classification: Uncertain significance for PDE6A-related condition. Last evaluated: 2026-03-23. Review status: criteria provided, single submitter. Criteria: ACMG Guidelines, 2015. Collection method: clinical testing. Allele origin: germline.
Comment: The PDE6A c.2330T>C variant is predicted to result in the amino acid substitution p.Ile777Thr. To our knowledge, this variant has not been reported in the literature. This variant is present in 0.0033% of alleles in individuals of South Asian descent in gnomAD. At this time, the clinical significance of this variant is uncertain due to the absence of conclusive functional and genetic evidence.

Blueprint Genetics
Classification: Uncertain significance. Last evaluated: 2022-02-12. Review status: criteria provided, single submitter. Criteria: ACMG Guidelines, 2015. Collection method: clinical testing. Allele origin: germline.

NM_000440.3(PDE6A):c.2330T>C (p.Ile777Thr)

Gene: PDE6A (phosphodiesterase 6A; minus strand). Cytogenetic location: 5q32.
Variant type: single nucleotide variant.
Coding change: c.2330T>C on transcript NM_000440.3 (MANE Select); coding-DNA position 2330, T replaced by C.
Protein change: p.Ile777Thr; replaces isoleucine 777 with threonine.
Molecular consequence: missense variant.
Genome position (GRCh38, 1-based): chr5:149,866,198, A>G on the plus strand (T>C on the coding strand, the complement: PDE6A is on the minus strand). VCF-style: chr5-149866198-A-G. GRCh37 (hg19) VCF-style: chr5-149245761-A-G.
Other names: c.2087T>C, p.Ile696Thr (NM_001410788.1); c.2330T>C (NM_000440.2); short protein forms I696T, I777T.
Identifiers: ClinVar variation 4972462 (VCV004972462.2).